The following is an entry in ClinVar:

NM_030665.4(RAI1):c.3497G>T (p.Gly1166Val)

Gene: RAI1 (retinoic acid induced 1; plus strand). Cytogenetic location: 17p11.2.
Variant type: single nucleotide variant.
Coding change: c.3497G>T on transcript NM_030665.4 (MANE Select); coding-DNA position 3497, G replaced by T.
Protein change: p.Gly1166Val; replaces glycine 1166 with valine.
Molecular consequence: missense variant.
Genome position (GRCh38, 1-based): chr17:17,796,445, G>T. VCF-style: chr17-17796445-G-T. GRCh37 (hg19) VCF-style: chr17-17699759-G-T.
Other names: c.3497G>T (NM_030665.3); short protein forms G1166V.
Identifiers: ClinVar variation 1502210 (VCV001502210.10), dbSNP rs766244944, ClinGen allele CA8418733.

ClinVar aggregate classification (germline): Conflicting classifications of pathogenicity. Review status: criteria provided, conflicting classifications (1 of 4 stars). 3 submissions from 3 submitters: Uncertain significance (2); Likely benign (1). Last evaluated 2024-11-15.

Conditions:
Inborn genetic diseases. Identifiers: MedGen C0950123, MeSH D030342.
RAI1-related disorder. Also called: RAI1-related condition.

Allele frequency attached by ClinVar (database versions not stated): TOPMed below 0.00001; ExAC 0.00001; gnomAD 0.00001; gnomAD exomes 0.00001.
gnomAD v4.1: 13 of 1,612,926 alleles (0.00081%); highest among the groups gnomAD compares: Non-Finnish European, 0.0011%; no homozygotes.

Submissions (3):

Ambry Genetics
Classification: Likely benign for Inborn genetic diseases. Last evaluated: 2024-11-15. Review status: criteria provided, single submitter. Criteria: Ambry Variant Classification Scheme 2023. Collection method: clinical testing. Allele origin: germline.

PreventionGenetics, part of Exact Sciences
Classification: Uncertain significance for RAI1-related condition. Last evaluated: 2024-10-07. Review status: criteria provided, single submitter. Criteria: ACMG Guidelines, 2015. Collection method: clinical testing. Allele origin: germline.
Comment: The RAI1 c.3497G>T variant is predicted to result in the amino acid substitution p.Gly1166Val. To our knowledge, this variant has not been reported in the literature. This variant is reported in 0.0031% of alleles in individuals of European (Non-Finnish) descent in gnomAD. At this time, the clinical significance of this variant is uncertain due to the absence of conclusive functional and genetic evidence.

Labcorp Genetics (formerly Invitae), Labcorp
Classification: Uncertain significance. Last evaluated: 2022-02-22. Review status: criteria provided, single submitter. Criteria: Invitae Variant Classification Sherloc (09022015). Collection method: clinical testing. Allele origin: germline.
Comment: This sequence change replaces glycine, which is neutral and non-polar, with valine, which is neutral and non-polar, at codon 1166 of the RAI1 protein (p.Gly1166Val). This variant is present in population databases (rs766244944, gnomAD 0.002%). This variant has not been reported in the literature in individuals affected with RAI1-related conditions. Algorithms developed to predict the effect of missense changes on protein structure and function (SIFT, PolyPhen-2, Align-GVGD) all suggest that this variant is likely to be tolerated. Algorithms developed to predict the effect of sequence changes on RNA splicing suggest that this variant may create or strengthen a splice site. In summary, the available evidence is currently insufficient to determine the role of this variant in disease. Therefore, it has been classified as a Variant of Uncertain Significance.